The following is an entry in ClinVar:

NM_003073.5(SMARCB1):c.312del (p.Asp104fs)

Gene: SMARCB1 (SWI/SNF related BAF chromatin remodeling complex subunit B1; plus strand). Cytogenetic location: 22q11.23.
Variant type: Deletion.
Coding change: c.312del on transcript NM_003073.5 (MANE Select); coding-DNA position 312, one base deleted (T; older notation c.312delT).
Protein change: p.Asp104fs; shifts the reading frame from aspartic acid 104.
Molecular consequence: frameshift variant.
Genome position (GRCh38, 1-based): chr22:23,793,638, T deleted. VCF-style (leftmost placement, unchanged base first): chr22-23793637-AT-A. GRCh37 (hg19) VCF-style: chr22-24135824-AT-A.
Other names: c.285del, p.Asp95fs (NM_001007468.3, NM_001317946.2); c.312del, p.Asp104fs (NM_001362877.2); short protein forms D104fs, D95fs.
Identifiers: ClinVar variation 4714470 (VCV004714470.1).

ClinVar aggregate classification (germline): Pathogenic/Likely pathogenic. Review status: criteria provided, multiple submitters, no conflicts (2 of 4 stars). 2 submissions from 2 submitters: Pathogenic (1); Likely pathogenic (1). Last evaluated 2025-03-05.

Conditions:
Hereditary cancer-predisposing syndrome. Also called: Hereditary Cancer Syndrome; Neoplastic Syndromes, Hereditary; Hereditary neoplastic syndrome; Tumor predisposition. Identifiers: Orphanet 140162, MedGen C0027672, MeSH D009386, MONDO:0015356.

Submissions (2):

Labcorp Genetics (formerly Invitae), Labcorp
Classification: Pathogenic. Last evaluated: 2025-03-05. Review status: criteria provided, single submitter. Criteria: Invitae Variant Classification Sherloc (09022015). Collection method: clinical testing. Allele origin: germline.
Comment: This sequence change creates a premature translational stop signal (p.Asp104Glufs*39) in the SMARCB1 gene. It is expected to result in an absent or disrupted protein product. Loss-of-function variants in SMARCB1 are known to be pathogenic (PMID: 10521299, 21208904). This variant is not present in population databases (gnomAD no frequency). This variant has not been reported in the literature in individuals affected with SMARCB1-related conditions. For these reasons, this variant has been classified as Pathogenic.

Institute for Genomic Medicine (IGM) Clinical Laboratory, Nationwide Children's Hospital
Classification: Likely pathogenic for Hereditary cancer-predisposing syndrome. Last evaluated: 2024-11-11. Review status: criteria provided, single submitter. Criteria: ACMG Guidelines, 2015. Collection method: clinical testing. Allele origin: germline.
Comment: This variant is predicted to result in loss of function through nonsense-mediated decay of the encoded transcript or premature truncation of the encoded protein in a gene in which loss of function is a known mechanism of disease (ACMG/AMP: PVS1; PMIDs:19124645, 21108436, 29706634, 18285426). This variant is absent from or present at an exceedingly low frequency in gnomAD, a large-scale control population database (ACMG/AMP: PM2).

Literature cited by the submitters: PubMed 10521299 (cited by Labcorp Genetics (formerly Invitae), Labcorp); PubMed 21208904 (cited by Labcorp Genetics (formerly Invitae), Labcorp); PubMed 19124645 (cited by Institute for Genomic Medicine (IGM) Clinical Laboratory, Nationwide Children's Hospital); PubMed 21108436 (cited by Institute for Genomic Medicine (IGM) Clinical Laboratory, Nationwide Children's Hospital); PubMed 29706634 (cited by Institute for Genomic Medicine (IGM) Clinical Laboratory, Nationwide Children's Hospital); PubMed 18285426 (cited by Institute for Genomic Medicine (IGM) Clinical Laboratory, Nationwide Children's Hospital).